The following is an entry in ClinVar:

NM_000080.4(CHRNE):c.1030C>G (p.His344Asp)

Gene: CHRNE (cholinergic receptor nicotinic epsilon subunit; minus strand). Cytogenetic location: 17p13.2.
Variant type: single nucleotide variant.
Coding change: c.1030C>G on transcript NM_000080.4 (MANE Select); coding-DNA position 1030, C replaced by G.
Protein change: p.His344Asp; replaces histidine 344 with aspartic acid.
Molecular consequence: missense variant.
Genome position (GRCh38, 1-based): chr17:4,899,470, G>C on the plus strand (C>G on the coding strand, the complement: CHRNE is on the minus strand). VCF-style: chr17-4899470-G-C. GRCh37 (hg19) VCF-style: chr17-4802765-G-C.
Other names: c.1030C>G, p.His344Asp (LRG_1254t1); short protein forms H344D.
Identifiers: ClinVar variation 323986 (VCV000323986.14), dbSNP rs886053125, ClinGen allele CA10646085.

ClinVar aggregate classification (germline): Uncertain significance. Review status: criteria provided, multiple submitters, no conflicts (2 of 4 stars). 3 submissions from 3 submitters: Uncertain significance (3). Last evaluated 2025-09-28.

Conditions:
Inborn genetic diseases. Identifiers: MedGen C0950123, MeSH D030342.
Congenital myasthenic syndrome (CMS). Also called: Congenital Myasthenic Syndromes. Identifiers: Orphanet 590, MedGen C0751882, MeSH D020294, MONDO:0018940.
Congenital myasthenic syndrome 4A. Also called: Myasthenic syndrome, congenital, 4a, slow-channel; CONGENITAL MYASTHENIC SYNDROME TYPE Ia1; MYASTHENIC SYNDROME, CONGENITAL, 4A, SLOW-CHANNEL, AUTOSOMAL RECESSIVE. Identifiers: Orphanet 590, MedGen C4225413, MONDO:0011600, OMIM 605809.

Allele frequency attached by ClinVar (database versions not stated): gnomAD 0.00001; TOPMed 0.00002.
gnomAD v4.1: 6 of 1,589,470 alleles (0.00038%); highest among the groups gnomAD compares: Non-Finnish European, 0.00043%; no homozygotes.

Submissions (3):

Ambry Genetics
Classification: Uncertain significance for Inborn genetic diseases. Last evaluated: 2025-09-28. Review status: criteria provided, single submitter. Criteria: Ambry Variant Classification Scheme 2023. Collection method: clinical testing. Allele origin: germline.

Labcorp Genetics (formerly Invitae), Labcorp
Classification: Uncertain significance for Congenital myasthenic syndrome 4A. Last evaluated: 2025-07-10. Review status: criteria provided, single submitter. Criteria: Invitae Variant Classification Sherloc (09022015). Collection method: clinical testing. Allele origin: germline.
Comment: This sequence change replaces histidine, which is basic and polar, with aspartic acid, which is acidic and polar, at codon 344 of the CHRNE protein (p.His344Asp). This variant is not present in population databases (gnomAD no frequency). This variant has not been reported in the literature in individuals affected with CHRNE-related conditions. ClinVar contains an entry for this variant (Variation ID: 323986). An algorithm developed to predict the effect of missense changes on protein structure and function (PolyPhen-2) suggests that this variant is likely to be tolerated. In summary, the available evidence is currently insufficient to determine the role of this variant in disease. Therefore, it has been classified as a Variant of Uncertain Significance.

Illumina Laboratory Services, Illumina
Classification: Uncertain significance for Congenital myasthenic syndrome. Last evaluated: 2018-01-13. Review status: criteria provided, single submitter. Criteria: ICSL Variant Classification Criteria 13 December 2019. Collection method: clinical testing. Allele origin: germline.